The following is an entry in ClinVar:

NM_020911.2(PLXNA4):c.4030C>T (p.Arg1344Trp)

Gene: PLXNA4 (plexin A4; minus strand). Cytogenetic location: 7q32.3.
Variant type: single nucleotide variant.
Coding change: c.4030C>T on transcript NM_020911.2 (MANE Select); coding-DNA position 4030, C replaced by T.
Protein change: p.Arg1344Trp; replaces arginine 1344 with tryptophan.
Molecular consequence: missense variant.
Genome position (GRCh38, 1-based): chr7:132,168,560, G>A on the plus strand (C>T on the coding strand, the complement: PLXNA4 is on the minus strand). VCF-style: chr7-132168560-G-A. GRCh37 (hg19) VCF-style: chr7-131853319-G-A.
Other names: c.4030C>T, p.Arg1344Trp (NM_001393897.1); short protein forms R1344W.
Identifiers: ClinVar variation 4977054 (VCV004977054.1).

ClinVar aggregate classification (germline): Uncertain significance (1 of 4 stars; one submission).

Conditions:
PLXNA4-related disorder. Also called: PLXNA4-related condition.

gnomAD v4.1: 28 of 1,584,394 alleles (0.0018%); highest among the groups gnomAD compares: Middle Eastern, 0.017%; no homozygotes.

Submission:

PreventionGenetics, part of Exact Sciences
Classification: Uncertain significance for PLXNA4-related condition. Last evaluated: 2026-07-21. Review status: criteria provided, single submitter. Criteria: ACMG Guidelines, 2015. Collection method: clinical testing. Allele origin: germline.
Comment: The PLXNA4 c.4030C>T variant is predicted to result in the amino acid substitution p.Arg1344Trp. To our knowledge, this variant has not been reported in the literature. This variant is reported in 0.0052% of alleles in individuals of East Asian descent in gnomAD. At this time, the clinical significance of this variant is uncertain due to the absence of conclusive functional and genetic evidence.